The following is an entry in ClinVar:

ClinVar aggregate classification (germline): Uncertain significance (1 of 4 stars; one submission).

Conditions:
Hereditary cancer-predisposing syndrome. Also called: Neoplastic Syndromes, Hereditary; Tumor predisposition; Hereditary neoplastic syndrome; Hereditary Cancer Syndrome. Identifiers: Orphanet 140162, MedGen C0027672, MeSH D009386, MONDO:0015356.
Cardiovascular phenotype. Identifiers: MedGen CN230736.

Submission:

Ambry Genetics
Classification: Uncertain significance for Cardiovascular phenotype; Hereditary cancer-predisposing syndrome. Last evaluated: 2024-01-29. Review status: criteria provided, single submitter. Criteria: Ambry Variant Classification Scheme 2023. Collection method: clinical testing. Allele origin: germline.
Comment: The p.D241G variant (also known as c.722A>G), located in coding exon 7 of the NF1 gene, results from an A to G substitution at nucleotide position 722. The aspartic acid at codon 241 is replaced by glycine, an amino acid with similar properties. This amino acid position is conserved. In addition, this alteration is predicted to be deleterious by in silico analysis. Based on the available evidence, the clinical significance of this alteration remains unclear.

NM_001042492.3(NF1):c.722A>G (p.Asp241Gly)

Gene: NF1 (neurofibromin 1; plus strand). Cytogenetic location: 17q11.2.
Variant type: single nucleotide variant.
Coding change: c.722A>G on transcript NM_001042492.3 (MANE Select); coding-DNA position 722, A replaced by G.
Protein change: p.Asp241Gly; replaces aspartic acid 241 with glycine.
Molecular consequence: missense variant.
Genome position (GRCh38, 1-based): chr17:31,181,777, A>G. VCF-style: chr17-31181777-A-G. GRCh37 (hg19) VCF-style: chr17-29508795-A-G.
Other names: c.722A>G, p.Asp241Gly (NM_000267.4, NM_001128147.3); short protein forms D241G.
Identifiers: ClinVar variation 3237928 (VCV003237928.1), dbSNP rs2143778428.